The following is an entry in ClinVar:

ClinVar aggregate classification (germline): Pathogenic. Review status: criteria provided, multiple submitters, no conflicts (2 of 4 stars). 2 submissions from 2 submitters: Pathogenic (2). Last evaluated 2026-01-31.

Conditions:
Werner syndrome (WRN). Identifiers: Orphanet 902, MedGen C0043119, MONDO:0010196, OMIM 277700.

gnomAD v4.1: 1 of 1,613,736 alleles (0.000062%); highest among the groups gnomAD compares: Non-Finnish European, 0.000085%; no homozygotes.

Submissions (2):

Labcorp Genetics (formerly Invitae), Labcorp
Classification: Pathogenic for Werner syndrome. Last evaluated: 2026-01-31. Review status: criteria provided, single submitter. Criteria: Invitae Variant Classification Sherloc (09022015). Collection method: clinical testing. Allele origin: germline.
Comment: This sequence change creates a premature translational stop signal (p.Tyr57*) in the WRN gene. It is expected to result in an absent or disrupted protein product. Loss-of-function variants in WRN are known to be pathogenic (PMID: 16673358). This variant is not present in population databases (gnomAD no frequency). This premature translational stop signal has been observed in individual(s) with Werner syndrome (PMID: 16673358). ClinVar contains an entry for this variant (Variation ID: 862046). RNA analysis performed to evaluate the impact of this premature translational stop signal on mRNA splicing indicates it does not significantly alter splicing (internal data). For these reasons, this variant has been classified as Pathogenic.

CeGaT Center for Human Genetics Tuebingen
Classification: Pathogenic. Last evaluated: 2019-10-01. Review status: criteria provided, single submitter. Criteria: CeGaT Center For Human Genetics Tuebingen Variant Classification Criteria Version 2. Collection method: clinical testing. Allele origin: germline. Affected: yes. Observed: 1 variant allele.

Literature cited by the submitters: PubMed 16673358 (cited by Labcorp Genetics (formerly Invitae), Labcorp).

NM_000553.6(WRN):c.171C>A (p.Tyr57Ter)

Gene: WRN (WRN RecQ like helicase; plus strand). Cytogenetic location: 8p12.
Variant type: single nucleotide variant.
Coding change: c.171C>A on transcript NM_000553.6 (MANE Select); coding-DNA position 171, C replaced by A.
Protein change: p.Tyr57Ter; replaces tyrosine 57 with a stop codon.
Molecular consequence: nonsense.
Genome position (GRCh38, 1-based): chr8:31,059,227, C>A. VCF-style: chr8-31059227-C-A. GRCh37 (hg19) VCF-style: chr8-30916743-C-A.
Other names: short protein forms Y57*.
Identifiers: ClinVar variation 862046 (VCV000862046.47), dbSNP rs373806031, ClinGen allele CA370912604.